The following is an entry in ClinVar:

ClinVar aggregate classification (germline): Likely benign. Review status: criteria provided, single submitter (1 of 4 stars). 2 submissions from 2 submitters: Likely benign (1). 1 of the submissions does not count toward it. Last evaluated 2024-03-05.

Conditions:
ABCA2-related disorder. Also called: ABCA2-related condition.

Allele frequency attached by ClinVar (database versions not stated): gnomAD exomes 0.00010; ExAC 0.00015; gnomAD 0.00023; ESP Exome Variant Server 0.00031; TOPMed 0.00032; 1000 Genomes Project 30x 0.00062; 1000 Genomes Project 0.00080.
gnomAD v4.1: 185 of 1,611,122 alleles (0.011%); highest among the groups gnomAD compares: African/African-American, 0.08%; no homozygotes.

Submissions (2):

Blueprint Genetics
Classification: Likely benign. Last evaluated: 2024-03-05. Review status: criteria provided, single submitter. Criteria: ACMG Guidelines, 2015. Collection method: clinical testing. Allele origin: germline.

PreventionGenetics, part of Exact Sciences
Classification: Likely benign for ABCA2-related condition. Last evaluated: 2022-09-28. Review status: no assertion criteria provided. Collection method: clinical testing. Allele origin: germline. Not counted in ClinVar's aggregate classification.
Comment: This variant is classified as likely benign based on ACMG/AMP sequence variant interpretation guidelines (Richards et al. 2015 PMID: 25741868, with internal and published modifications).

NM_001606.5(ABCA2):c.6624C>T (p.Ile2208=)

Gene: ABCA2 (ATP binding cassette subfamily A member 2; minus strand). Cytogenetic location: 9q34.3.
Variant type: single nucleotide variant.
Coding change: c.6624C>T on transcript NM_001606.5 (MANE Select); coding-DNA position 6624, C replaced by T.
Protein change: p.Ile2208=; no amino-acid change (isoleucine 2208 retained).
Molecular consequence: synonymous variant.
Genome position (GRCh38, 1-based): chr9:137,009,775, G>A on the plus strand (C>T on the coding strand, the complement: ABCA2 is on the minus strand). VCF-style: chr9-137009775-G-A. GRCh37 (hg19) VCF-style: chr9-139904227-G-A.
Other names: c.6621C>T, p.Ile2207= (NM_001411042.1); c.6714C>T, p.Ile2238= (NM_212533.3).
Identifiers: ClinVar variation 3053169 (VCV003053169.3), dbSNP rs193005763, ClinGen allele CA5353533.
Genomic context (GRCh38, chr9:137,009,775, plus strand): 5'-GCTCACCAGGAAGTCAAAGGCCAGGCAGCCACCCCCCACCCACCCAGGACTTACCAGGAA[G>A]ATGAAGGCTGGGTACCCAATGAGGGCGATGGCCGTGGAGAGCTTCCGCTTGTTGCCGCCG-3'
Protein context (NP_001597.2, residues 2198-2218): AIALIGYPAF[Ile2208=]FLDEPTTGMD